The following is an entry in ClinVar:

NM_000611.6(CD59):c.233G>A (p.Arg78His)

Gene: CD59 (CD59 molecule (CD59 blood group); minus strand). Cytogenetic location: 11p13.
Variant type: single nucleotide variant.
Coding change: c.233G>A on transcript NM_000611.6 (MANE Select); coding-DNA position 233, G replaced by A.
Protein change: p.Arg78His; replaces arginine 78 with histidine.
Molecular consequence: missense variant.
Genome position (GRCh38, 1-based): chr11:33,710,280, C>T on the plus strand (G>A on the coding strand, the complement: CD59 is on the minus strand). VCF-style: chr11-33710280-C-T. GRCh37 (hg19) VCF-style: chr11-33731826-C-T.
Other names: c.233G>A, p.Arg78His (NM_001127223.1, NM_001127225.2, NM_001127226.2 and 4 more transcripts); short protein forms R78H.
Identifiers: ClinVar variation 3616832 (VCV003616832.1).

ClinVar aggregate classification (germline): Uncertain significance (1 of 4 stars; one submission).

gnomAD v4.1: 10 of 1,614,152 alleles (0.00062%); highest among the groups gnomAD compares: East Asian, 0.0067%; no homozygotes.

Submission:

Labcorp Genetics (formerly Invitae), Labcorp
Classification: Uncertain significance. Last evaluated: 2024-04-19. Review status: criteria provided, single submitter. Criteria: Invitae Variant Classification Sherloc (09022015). Collection method: clinical testing. Allele origin: germline.
Comment: This sequence change replaces arginine, which is basic and polar, with histidine, which is basic and polar, at codon 78 of the CD59 protein (p.Arg78His). This variant is present in population databases (rs546769632, gnomAD 0.02%). This variant has not been reported in the literature in individuals affected with CD59-related conditions. Algorithms developed to predict the effect of missense changes on protein structure and function output the following: SIFT: "Not Available"; PolyPhen-2: "Benign"; Align-GVGD: "Not Available". The histidine amino acid residue is found in multiple mammalian species, which suggests that this missense change does not adversely affect protein function. In summary, the available evidence is currently insufficient to determine the role of this variant in disease. Therefore, it has been classified as a Variant of Uncertain Significance.